The following is an entry in ClinVar:

NM_000051.4(ATM):c.8222_8223dup (p.Asn2742fs)

Genes: ATM (ATM serine/threonine kinase; plus strand), C11orf65 (chromosome 11 open reading frame 65; minus strand). Cytogenetic location: 11q22.3.
Variant type: Microsatellite.
Coding change: c.8222_8223dup on transcript NM_000051.4 (MANE Select); coding-DNA positions 8222 to 8223, 2 bases duplicated (GA; older notation c.8222_8223dupGA).
Protein change: p.Asn2742fs; shifts the reading frame from asparagine 2742.
Molecular consequence: frameshift variant. On other transcripts: intron variant (2).
Genome position (GRCh38, 1-based): chr11:108,335,915-108,335,916, GA duplicated; duplicating any 2 consecutive bases within chr11:108,335,912-108,335,916 gives the same sequence; the c. name uses the placement nearest the transcript's 3' end. VCF-style (leftmost placement, unchanged base first): chr11-108335911-C-CAG. GRCh37 (hg19) VCF-style: chr11-108206638-C-CAG.
Other names: c.8222_8223dupGA (NM_000051.3); c.8222_8223dup, p.Asn2742fs (NM_001351834.2); c.641-26844CT[3] (NM_001330368.2); c.695-623CT[3] (NM_001351110.2); short protein forms N2742fs.
Identifiers: ClinVar variation 4865947 (VCV004865947.1).

ClinVar aggregate classification (germline): Pathogenic (1 of 4 stars; one submission).

Conditions:
Hereditary cancer-predisposing syndrome. Also called: Tumor predisposition; Hereditary neoplastic syndrome; Hereditary Cancer Syndrome; Neoplastic Syndromes, Hereditary. Identifiers: Orphanet 140162, MedGen C0027672, MeSH D009386, MONDO:0015356.

Submission:

Ambry Genetics
Classification: Pathogenic for Hereditary cancer-predisposing syndrome. Last evaluated: 2026-03-16. Review status: criteria provided, single submitter. Criteria: Ambry Variant Classification Scheme 2023. Collection method: clinical testing. Allele origin: germline.
Comment: The c.8222_8223dupGA pathogenic mutation, located in coding exon 55 of the ATM gene, results from a duplication of GA at nucleotide position 8222, causing a translational frameshift with a predicted alternate stop codon (p.N2742Efs*10). This variant is considered to be rare based on population cohorts in the Genome Aggregation Database (gnomAD). This alteration is expected to result in loss of function by premature protein truncation or nonsense-mediated mRNA decay. As such, this alteration is interpreted as a disease-causing mutation.